The following is an entry in ClinVar:

ClinVar aggregate classification (germline): Uncertain significance. Review status: criteria provided, multiple submitters, no conflicts (2 of 4 stars). 4 submissions from 4 submitters: Uncertain significance (4). Last evaluated 2025-08-01.

Conditions:
Dilated cardiomyopathy 1HH (CMD1HH). Identifiers: Orphanet 154, MedGen C3151293, MONDO:0013479, OMIM 613881.
Myofibrillar myopathy 6. Identifiers: Orphanet 199340, MedGen C2751831, MONDO:0013061, OMIM 612954.
Cardiovascular phenotype. Identifiers: MedGen CN230736.

Allele frequency attached by ClinVar (database versions not stated): TOPMed below 0.00001; gnomAD 0.00001.

Submissions (4):

Ambry Genetics
Classification: Uncertain significance for Cardiovascular phenotype. Last evaluated: 2025-08-01. Review status: criteria provided, single submitter. Criteria: Ambry Variant Classification Scheme 2023. Collection method: clinical testing. Allele origin: germline.

Labcorp Genetics (formerly Invitae), Labcorp
Classification: Uncertain significance for Dilated cardiomyopathy 1HH; Myofibrillar myopathy 6. Last evaluated: 2025-04-26. Review status: criteria provided, single submitter. Criteria: Invitae Variant Classification Sherloc (09022015). Collection method: clinical testing. Allele origin: germline.
Comment: This sequence change replaces histidine, which is basic and polar, with tyrosine, which is neutral and polar, at codon 419 of the BAG3 protein (p.His419Tyr). This variant is present in population databases (no rsID available, gnomAD 0.01%). This variant has not been reported in the literature in individuals affected with BAG3-related conditions. ClinVar contains an entry for this variant (Variation ID: 1810042). Invitae Evidence Modeling of protein sequence and biophysical properties (such as structural, functional, and spatial information, amino acid conservation, physicochemical variation, residue mobility, and thermodynamic stability) indicates that this missense variant is expected to disrupt BAG3 protein function with a positive predictive value of 80%. In summary, the available evidence is currently insufficient to determine the role of this variant in disease. Therefore, it has been classified as a Variant of Uncertain Significance.

Women's Health and Genetics/Laboratory Corporation of America, LabCorp
Classification: Uncertain significance. Last evaluated: 2025-04-25. Review status: criteria provided, single submitter. Criteria: LabCorp Variant Classification Summary - May 2015. Collection method: clinical testing. Allele origin: germline.

GeneDx
Classification: Uncertain significance. Last evaluated: 2023-06-12. Review status: criteria provided, single submitter. Criteria: GeneDx Variant Classification Process June 2021. Collection method: clinical testing. Allele origin: germline. Affected: yes.
Comment: Has not been previously published as pathogenic or benign to our knowledge; Not observed at significant frequency in large population cohorts (gnomAD); In silico analysis supports that this missense variant has a deleterious effect on protein structure/function

NM_004281.4(BAG3):c.1255C>T (p.His419Tyr)

Gene: BAG3 (BAG cochaperone 3; plus strand). Cytogenetic location: 10q26.11.
Variant type: single nucleotide variant.
Coding change: c.1255C>T on transcript NM_004281.4 (MANE Select); coding-DNA position 1255, C replaced by T.
Protein change: p.His419Tyr; replaces histidine 419 with tyrosine.
Molecular consequence: missense variant.
Genome position (GRCh38, 1-based): chr10:119,676,809, C>T. VCF-style: chr10-119676809-C-T. GRCh37 (hg19) VCF-style: chr10-121436321-C-T.
Other names: short protein forms H419Y.
Identifiers: ClinVar variation 1810042 (VCV001810042.9), dbSNP rs1293234013, ClinGen allele CA378296927.